The following is an entry in ClinVar:

NM_001197104.2(KMT2A):c.7907C>T (p.Pro2636Leu)

Gene: KMT2A (lysine methyltransferase 2A; plus strand). Cytogenetic location: 11q23.3.
Variant type: single nucleotide variant.
Coding change: c.7907C>T on transcript NM_001197104.2 (MANE Select); coding-DNA position 7907, C replaced by T.
Protein change: p.Pro2636Leu; replaces proline 2636 with leucine.
Molecular consequence: missense variant.
Genome position (GRCh38, 1-based): chr11:118,503,799, C>T. VCF-style: chr11-118503799-C-T. GRCh37 (hg19) VCF-style: chr11-118374514-C-T.
Other names: c.7997C>T, p.Pro2666Leu (NM_001412597.1); c.7898C>T, p.Pro2633Leu (NM_005933.4); short protein forms P2633L, P2636L, P2666L.
Identifiers: ClinVar variation 3254804 (VCV003254804.1), dbSNP rs2134395213.

ClinVar aggregate classification (germline): Likely pathogenic (1 of 4 stars; one submission).

Conditions:
Wiedemann-Steiner syndrome (WDSTS). Also called: Growth deficiency and mental retardation with facial dysmorphism. Identifiers: Orphanet 319182, MedGen C1854630, MONDO:0011518, OMIM 605130.

Submission:

Victorian Clinical Genetics Services, Murdoch Childrens Research Institute
Classification: Likely pathogenic for Wiedemann-Steiner syndrome. Last evaluated: 2023-07-16. Review status: criteria provided, single submitter. Criteria: ACMG Guidelines, 2015. Collection method: clinical testing. Allele origin: germline. Inheritance: Autosomal dominant inheritance. Affected: yes.
Comment: Based on the classification scheme VCGS_Germline_v1.3.4, this variant is classified as Likely pathogenic. Following criteria are met: 0102 - Loss of function is a known mechanism of disease in this gene and is associated with Wiedemann-Steiner syndrome (MIM#605130). (I) 0107 - This gene is associated with autosomal dominant disease. (I) 0200 - Variant is predicted to result in a missense amino acid change from proline to leucine. (I) 0251 - This variant is heterozygous. (I) 0301 - Variant is absent from gnomAD (both v2 and v3). (SP) 0501 - Missense variant consistently predicted to be damaging by multiple in silico tools or highly conserved with a major amino acid change. (SP) 0604 - Variant is not located in an established domain, motif, hotspot or informative constraint region. (I) 0705 - No comparable missense variants have previous evidence for pathogenicity. (I) 0807 - This variant has no previous evidence of pathogenicity. (I) 0905 - No published segregation evidence has been identified for this variant. (I) 1007 - No published functional evidence has been identified for this variant. (SP) Legend: (SP) - Supporting pathogenic, (I) - Information, (SB) - Supporting benign